The following is an entry in ClinVar:

ClinVar aggregate classification (germline): Uncertain significance (1 of 4 stars; one submission).

Submission:

Ambry Genetics
Classification: Uncertain significance. Last evaluated: 2025-06-13. Review status: criteria provided, single submitter. Criteria: Ambry Variant Classification Scheme 2023. Collection method: clinical testing. Allele origin: germline.
Comment: The p.V549A variant (also known as c.1646T>C), located in coding exon 11 of the RINT1 gene, results from a T to C substitution at nucleotide position 1646. The valine at codon 549 is replaced by alanine, an amino acid with similar properties. This amino acid position is conserved. In addition, this alteration is predicted to be tolerated by in silico analysis. Based on the available evidence, the clinical significance of this variant remains unclear.

NM_021930.6(RINT1):c.1646T>C (p.Val549Ala)

Gene: RINT1 (RAD50 interactor 1; plus strand). Cytogenetic location: 7q22.3.
Variant type: single nucleotide variant.
Coding change: c.1646T>C on transcript NM_021930.6 (MANE Select); coding-DNA position 1646, T replaced by C.
Protein change: p.Val549Ala; replaces valine 549 with alanine.
Molecular consequence: missense variant.
Genome position (GRCh38, 1-based): chr7:105,555,202, T>C. VCF-style: chr7-105555202-T-C. GRCh37 (hg19) VCF-style: chr7-105195649-T-C.
Other names: c.1412T>C, p.Val471Ala (NM_001346599.2); c.623T>C, p.Val208Ala (NM_001346600.2, NM_001346603.2); c.722T>C, p.Val241Ala (NM_001346601.2); short protein forms V549A, V241A, V208A, V471A.
Identifiers: ClinVar variation 3946016 (VCV003946016.1).